The following is an entry in ClinVar:

NM_001127222.2(CACNA1A):c.76G>T (p.Gly26Cys)

Gene: CACNA1A (calcium voltage-gated channel subunit alpha1 A; minus strand). Cytogenetic location: 19p13.13.
Variant type: single nucleotide variant.
Coding change: c.76G>T on transcript NM_001127222.2 (MANE Select); coding-DNA position 76, G replaced by T.
Protein change: p.Gly26Cys; replaces glycine 26 with cysteine.
Molecular consequence: missense variant.
Genome position (GRCh38, 1-based): chr19:13,506,149, C>A on the plus strand (G>T on the coding strand, the complement: CACNA1A is on the minus strand). VCF-style: chr19-13506149-C-A. GRCh37 (hg19) VCF-style: chr19-13616963-C-A.
Other names: c.76G>T, p.Gly26Cys (NM_000068.4, NM_001127221.2, NM_001174080.2 and 1 more transcripts); short protein forms G26C.
Identifiers: ClinVar variation 1972468 (VCV001972468.5), dbSNP rs2513709916, ClinGen allele CA404971257.
Genomic context (GRCh38, chr19:13,506,149, plus strand): 5'-TTTGCGCCCCGGGCTGCCCGCCCTGCCGGCTGCCCCCGGCTCCTCGCCCGCCTCCGCTGC[C>A]CACGACCACCCCGGCGGCTGCCCCGGAGCCTCCTCCCCCGTAGCGGGCCGGCATCTCGTC-3'
Protein context (NP_001120694.1, residues 16-36): GSGAAAGVVV[Gly26Cys]SGGGRGAGGS

ClinVar aggregate classification (germline): Uncertain significance (1 of 4 stars; one submission).

Conditions:
Episodic ataxia type 2 (EA2). Also called: ATAXIA, EPISODIC, WITH NYSTAGMUS; ATAXIA, FAMILIAL PAROXYSMAL; CEREBELLAR ATAXIA, PAROXYSMAL, ACETAZOLAMIDE-RESPONSIVE; CEREBELLOPATHY, HEREDITARY PAROXYSMAL; ACETAZOLAMIDE-RESPONSIVE HEREDITARY PAROXYSMAL CEREBELLAR ATAXIA; EPISODIC ATAXIA, NYSTAGMUS-ASSOCIATED. Identifiers: Orphanet 97, MedGen C1720416, MONDO:0007163, OMIM 108500.
Developmental and epileptic encephalopathy, 42 (DEE42A). Also called: EPILEPTIC ENCEPHALOPATHY, EARLY INFANTILE, 42A; Epileptic encephalopathy, early infantile, 42; DEVELOPMENTAL AND EPILEPTIC ENCEPHALOPATHY 42A. Identifiers: MedGen C4310716, MONDO:0014917, OMIM 617106.

Allele frequency attached by ClinVar (database versions not stated): gnomAD exomes below 0.00001.
gnomAD v4.1: 1 of 1,570,936 alleles (0.000064%); highest among the groups gnomAD compares: Admixed American, 0.0019%; no homozygotes.

Submission:

Labcorp Genetics (formerly Invitae), Labcorp
Classification: Uncertain significance for Developmental and epileptic encephalopathy, 42; Episodic ataxia type 2. Last evaluated: 2022-05-28. Review status: criteria provided, single submitter. Criteria: Invitae Variant Classification Sherloc (09022015). Collection method: clinical testing. Allele origin: germline.
Comment: In summary, the available evidence is currently insufficient to determine the role of this variant in disease. Therefore, it has been classified as a Variant of Uncertain Significance. Advanced modeling of protein sequence and biophysical properties (such as structural, functional, and spatial information, amino acid conservation, physicochemical variation, residue mobility, and thermodynamic stability) performed at Invitae indicates that this missense variant is not expected to disrupt CACNA1A protein function. This variant has not been reported in the literature in individuals affected with CACNA1A-related conditions. This variant is not present in population databases (gnomAD no frequency). This sequence change replaces glycine, which is neutral and non-polar, with cysteine, which is neutral and slightly polar, at codon 26 of the CACNA1A protein (p.Gly26Cys).